The following is an entry in ClinVar:

NM_015447.4(CAMSAP1):c.4350G>A (p.Ser1450=)

Gene: CAMSAP1 (calmodulin regulated spectrin associated protein 1; minus strand). Cytogenetic location: 9q34.3.
Variant type: single nucleotide variant.
Coding change: c.4350G>A on transcript NM_015447.4 (MANE Select); coding-DNA position 4350, G replaced by A.
Protein change: p.Ser1450=; no amino-acid change (serine 1450 retained).
Molecular consequence: synonymous variant.
Genome position (GRCh38, 1-based): chr9:135,815,927, C>T on the plus strand (G>A on the coding strand, the complement: CAMSAP1 is on the minus strand). VCF-style: chr9-135815927-C-T. GRCh37 (hg19) VCF-style: chr9-138707773-C-T.
Other names: c.3516G>A, p.Ser1172= (NM_001411031.1).
Identifiers: ClinVar variation 3770754 (VCV003770754.13).

ClinVar aggregate classification (germline): Likely benign (1 of 4 stars; one submission).

gnomAD v4.1: 630 of 1,613,784 alleles (0.039%); highest among the groups gnomAD compares: South Asian, 0.56%; 6 homozygotes.

Submission:

CeGaT Center for Human Genetics Tuebingen
Classification: Likely benign. Last evaluated: 2025-02-01. Review status: criteria provided, single submitter. Criteria: CeGaT Center For Human Genetics Tuebingen Variant Classification Criteria Version 2. Collection method: clinical testing. Allele origin: germline. Affected: yes. Observed: 1 variant allele.
Comment: CAMSAP1: BP4, BP7